The following is an entry in ClinVar:

NM_004006.3(DMD):c.2362G>T (p.Val788Leu)

Gene: DMD (dystrophin; minus strand). Cytogenetic location: Xp21.1.
Variant type: single nucleotide variant.
Coding change: c.2362G>T on transcript NM_004006.3 (MANE Select); coding-DNA position 2362, G replaced by T.
Protein change: p.Val788Leu; replaces valine 788 with leucine.
Molecular consequence: missense variant.
Genome position (GRCh38, 1-based): chrX:32,501,773, C>A on the plus strand (G>T on the coding strand, the complement: DMD is on the minus strand). VCF-style: chrX-32501773-C-A. GRCh37 (hg19) VCF-style: chrX-32519890-C-A.
Other names: c.2338G>T, p.Val780Leu (NM_000109.4); c.2350G>T, p.Val784Leu (NM_004009.3); c.1993G>T, p.Val665Leu (NM_004010.3); short protein forms V788L, V780L, V665L, V784L.
Identifiers: ClinVar variation 450763 (VCV000450763.11), dbSNP rs756267575, ClinGen allele CA10379548.
Genomic context (GRCh38, chrX:32,501,773, plus strand): 5'-CAAATCCCTAAGAAGATTATCTAAATCAACTCGTGTAATTACCATTCACCATCTGTTCCA[C>A]CAGGGCCTGAGCTGATCTGCTGGCATCTTGCAGTTTTCTGAACTTCTCAGCTTTTTCTCG-3'
Protein context (NP_003997.2, residues 778-798): QDASRSAQAL[Val788Leu]EQMVNEGVNA

ClinVar aggregate classification (germline): Conflicting classifications of pathogenicity. Review status: criteria provided, conflicting classifications (1 of 4 stars). 4 submissions from 4 submitters: Uncertain significance (2); Likely benign (1). 1 of the submissions does not count toward it. Last evaluated 2024-11-15.

Conditions:
Becker muscular dystrophy (BMD). Also called: MUSCULAR DYSTROPHY, PSEUDOHYPERTROPHIC PROGRESSIVE, BECKER TYPE; Becker Muscular Dystrophy (BMD). Identifiers: Orphanet 98895, MedGen C0917713, MONDO:0010311, OMIM 300376.
Cardiomyopathy (CMYO). Also called: Cardiomyopathies. Identifiers: Orphanet 167848, MedGen C0878544, MONDO:0004994, HP:0001638. Inheritance: Various modes of inheritance.
Duchenne muscular dystrophy (DMD). Also called: MUSCULAR DYSTROPHY, PSEUDOHYPERTROPHIC PROGRESSIVE, DUCHENNE TYPE; Duchenne Muscular Dystrophy (DMD). Identifiers: Orphanet 98896, MedGen C0013264, MONDO:0010679, OMIM 310200.
Dystrophin deficiency.
Cardiovascular phenotype. Identifiers: MedGen CN230736.

Allele frequency attached by ClinVar (database versions not stated): gnomAD exomes 0.00001 and 0.00002; ExAC 0.00003; gnomAD 0.00004 and 0.00005; TOPMed 0.00007.
gnomAD v4.1: 10 of 1,206,772 alleles (0.00083%); highest among the groups gnomAD compares: African/African-American, 0.017%; no homozygotes.

Submissions (4):

Labcorp Genetics (formerly Invitae), Labcorp
Classification: Uncertain significance for Duchenne muscular dystrophy. Last evaluated: 2024-11-15. Review status: criteria provided, single submitter. Criteria: Invitae Variant Classification Sherloc (09022015). Collection method: clinical testing. Allele origin: germline.
Comment: This sequence change replaces valine, which is neutral and non-polar, with leucine, which is neutral and non-polar, at codon 788 of the DMD protein (p.Val788Leu). The frequency data for this variant in the population databases is considered unreliable, as metrics indicate poor data quality at this position in the gnomAD database. This variant has not been reported in the literature in individuals affected with DMD-related conditions. ClinVar contains an entry for this variant (Variation ID: 450763). Invitae Evidence Modeling of protein sequence and biophysical properties (such as structural, functional, and spatial information, amino acid conservation, physicochemical variation, residue mobility, and thermodynamic stability) indicates that this missense variant is not expected to disrupt DMD protein function with a negative predictive value of 95%. In summary, the available evidence is currently insufficient to determine the role of this variant in disease. Therefore, it has been classified as a Variant of Uncertain Significance.

Ambry Genetics
Classification: Likely benign for Cardiovascular phenotype. Last evaluated: 2024-06-05. Review status: criteria provided, single submitter. Criteria: Ambry Variant Classification Scheme 2023. Collection method: clinical testing. Allele origin: germline.

GeneDx
Classification: Uncertain significance. Last evaluated: 2017-07-24. Review status: criteria provided, single submitter. Criteria: GeneDx Variant Classification (06012015). Collection method: clinical testing. Allele origin: germline. Affected: yes.
Comment: A variant of uncertain significance has been identified in the DMD gene. The V788L variant has not been published as pathogenic or been reported as benign to our knowledge. The V788L variant is not observed at a significant frequency in large population cohorts (Lek et al., 2016; 1000 Genomes Consortium et al., 2015; Exome Variant Server). The V788L variant is a conservative amino acid substitution, which is not likely to impact secondary protein structure as these residues share similar properties. Additionally, this substitution occurs at a position where amino acids with similar properties to valine (V) are tolerated across species, and leucine (L) is the wild-type amino acid at this position in at least one species. In silico analysis is inconsistent in its predictions as to whether or not the variant is damaging to the protein structure/function. Moreover, missense variants represent the minority of disease-causing variants, with 65-70% of pathogenic variants in the DMD gene being exon-level deletions and duplications (Aartsma-Rus et al., 2006).

Natera, Inc.
Classification: Uncertain significance for Becker muscular dystrophy; Cardiomyopathy; Duchenne muscular dystrophy; Dystrophin deficiency. Last evaluated: 2018-10-30. Review status: no assertion criteria provided. Collection method: clinical testing. Allele origin: germline. Not counted in ClinVar's aggregate classification.